The following is an entry in ClinVar:

NM_173660.5(DOK7):c.46G>C (p.Gly16Arg)

Gene: DOK7 (docking protein 7; plus strand). Cytogenetic location: 4p16.3.
Variant type: single nucleotide variant.
Coding change: c.46G>C on transcript NM_173660.5 (MANE Select); coding-DNA position 46, G replaced by C.
Protein change: p.Gly16Arg; replaces glycine 16 with arginine.
Molecular consequence: missense variant.
Genome position (GRCh38, 1-based): chr4:3,463,421, G>C. VCF-style: chr4-3463421-G-C. GRCh37 (hg19) VCF-style: chr4-3465148-G-C.
Other names: c.46G>C, p.Gly16Arg (NM_001164673.2, NM_001301071.2, NM_001363811.2); short protein forms G16R.
Identifiers: ClinVar variation 1483321 (VCV001483321.3), dbSNP rs764824461, ClinGen allele CA2828819.
Genomic context (GRCh38, chr4:3,463,421, plus strand): 5'-GAACCATGACAGAAGATGACCGAGGCGGCGCTGGTGGAGGGCCAGGTCAAGCTGCGGGAC[G>C]GCAAGAAGGTCGGGGCGCGTCGGGGGCGCGGGGGGGGGGGGCGCGGGCGCGGGCGGCGGC-3'
Protein context (NP_775931.3, residues 6-26): LVEGQVKLRD[Gly16Arg]KKWKSRWLVL

ClinVar aggregate classification (germline): Uncertain significance (1 of 4 stars; one submission).

Conditions:
Congenital myasthenic syndrome 10. Also called: Myasthenia, limb-girdle, familial. Identifiers: Orphanet 590, MedGen C1850792, MONDO:0009690, OMIM 254300.
Fetal akinesia deformation sequence 1 (FADS1). Also called: Pena-Shokeir syndrome type I; Fetal akinesia sequence. Identifiers: Orphanet 994, MedGen C1276035, MONDO:0100101, OMIM 208150, HP:0001989.

gnomAD v4.1: 22 of 1,455,712 alleles (0.0015%); highest among the groups gnomAD compares: Non-Finnish European, 0.002%; no homozygotes.

Submission:

Labcorp Genetics (formerly Invitae), Labcorp
Classification: Uncertain significance for Congenital myasthenic syndrome 10; Fetal akinesia deformation sequence 1. Last evaluated: 2022-06-27. Review status: criteria provided, single submitter. Criteria: Invitae Variant Classification Sherloc (09022015). Collection method: clinical testing. Allele origin: germline.
Comment: This sequence change replaces glycine, which is neutral and non-polar, with arginine, which is basic and polar, at codon 16 of the DOK7 protein (p.Gly16Arg). This variant is present in population databases (rs764824461, gnomAD 0.002%). This variant has not been reported in the literature in individuals affected with DOK7-related conditions. Algorithms developed to predict the effect of missense changes on protein structure and function are either unavailable or do not agree on the potential impact of this missense change (SIFT: "Deleterious"; PolyPhen-2: "Probably Damaging"; Align-GVGD: "Class C0"). In summary, the available evidence is currently insufficient to determine the role of this variant in disease. Therefore, it has been classified as a Variant of Uncertain Significance.